The following is an entry in ClinVar:

NM_001347721.2(DYRK1A):c.2014del (p.Gln672fs)

Gene: DYRK1A (dual specificity tyrosine phosphorylation regulated kinase 1A; plus strand). Cytogenetic location: 21q22.13.
Variant type: Deletion.
Coding change: c.2014del on transcript NM_001347721.2 (MANE Select); coding-DNA position 2014, one base deleted (C; older notation c.2014delC).
Protein change: p.Gln672fs; shifts the reading frame from glutamine 672.
Molecular consequence: frameshift variant. On other transcripts: 3 prime UTR variant (2).
Genome position (GRCh38, 1-based): chr21:37,512,280, C deleted; the last of 2 consecutive C bases (chr21:37,512,279-37,512,280); deleting either gives the same sequence. VCF-style (leftmost placement, unchanged base first): chr21-37512278-AC-A. GRCh37 (hg19) VCF-style: chr21-38884581-AC-A.
Other names: c.2014del, p.Gln672fs (NM_001347722.2, NM_130436.2); c.1927del, p.Gln643fs (NM_001347723.2); c.2041del, p.Gln681fs (NM_001396.5); c.*417del (NM_101395.2); c.*326del (NM_130438.2); short protein forms Q643fs, Q672fs, Q681fs.
Identifiers: ClinVar variation 2693078 (VCV002693078.3), dbSNP rs2518097345, ClinGen allele CA2697547514.

ClinVar aggregate classification (germline): Pathogenic (1 of 4 stars; one submission).

Conditions:
DYRK1A-related intellectual disability syndrome (MRD7). Also called: Intellectual developmental disorder, autosomal dominant 7; DYRK1A Syndrome. Identifiers: Orphanet 464306, MedGen C5568143, MONDO:0013578, OMIM 614104.

Submission:

Labcorp Genetics (formerly Invitae), Labcorp
Classification: Pathogenic for DYRK1A-related intellectual disability syndrome. Last evaluated: 2023-11-04. Review status: criteria provided, single submitter. Criteria: Invitae Variant Classification Sherloc (09022015). Collection method: clinical testing. Allele origin: germline.
Comment: This sequence change creates a premature translational stop signal (p.Gln681Argfs*22) in the DYRK1A gene. While this is not anticipated to result in nonsense mediated decay, it is expected to disrupt the last 83 amino acid(s) of the DYRK1A protein. This variant is not present in population databases (gnomAD no frequency). This premature translational stop signal has been observed in individual(s) with clinical features of DYRK1A-related conditions (Invitae). In at least one individual the variant was observed to be de novo. For these reasons, this variant has been classified as Pathogenic.